The following is an entry in ClinVar:

ClinVar aggregate classification (germline): Uncertain significance (1 of 4 stars; one submission).

Submission:

Women's Health and Genetics/Laboratory Corporation of America, LabCorp
Classification: Uncertain significance. Last evaluated: 2024-03-22. Review status: criteria provided, single submitter. Criteria: LabCorp Variant Classification Summary - May 2015. Collection method: clinical testing. Allele origin: germline.
Comment: Variant summary: DYNC1I2 c.144A>C (p.Gln48His) results in a non-conservative amino acid change in the encoded protein sequence. Three of five in-silico tools predict a benign effect of the variant on protein function. The variant was absent in 242076 control chromosomes. The available data on variant occurrences in the general population are insufficient to allow any conclusion about variant significance. To our knowledge, no occurrence of c.144A>C in individuals affected with Neurodevelopmental Disorder With Microcephaly And Structural Brain Anomalies and no experimental evidence demonstrating its impact on protein function have been reported. No submitters have cited clinical-significance assessments for this variant to ClinVar. Based on the evidence outlined above, the variant was classified as uncertain significance.

NM_001378.3(DYNC1I2):c.144A>C (p.Gln48His)

Gene: DYNC1I2 (dynein cytoplasmic 1 intermediate chain 2; plus strand). Cytogenetic location: 2q31.1.
Variant type: single nucleotide variant.
Coding change: c.144A>C on transcript NM_001378.3 (MANE Select); coding-DNA position 144, A replaced by C.
Protein change: p.Gln48His; replaces glutamine 48 with histidine.
Molecular consequence: missense variant.
Genome position (GRCh38, 1-based): chr2:171,692,812, A>C. VCF-style: chr2-171692812-A-C. GRCh37 (hg19) VCF-style: chr2-172549322-A-C.
Other names: c.144A>C, p.Gln48His (NM_001271785.2, NM_001271786.2, NM_001271787.2 and 8 more transcripts); short protein forms Q48H.
Identifiers: ClinVar variation 3233800 (VCV003233800.2), dbSNP rs1685494164, ClinGen allele CA349618354.